The following is an entry in ClinVar:

NM_001378454.1(ALMS1):c.8788T>G (p.Phe2930Val)

Gene: ALMS1 (ALMS1 centrosome and basal body associated protein; plus strand). Cytogenetic location: 2p13.1.
Variant type: single nucleotide variant.
Coding change: c.8788T>G on transcript NM_001378454.1 (MANE Select); coding-DNA position 8788, T replaced by G.
Protein change: p.Phe2930Val; replaces phenylalanine 2930 with valine.
Molecular consequence: missense variant.
Genome position (GRCh38, 1-based): chr2:73,490,747, T>G. VCF-style: chr2-73490747-T-G. GRCh37 (hg19) VCF-style: chr2-73717874-T-G.
Other names: c.8791T>G, p.Phe2931Val (NM_015120.4); short protein forms F2930V, F2931V.
Identifiers: ClinVar variation 1017618 (VCV001017618.8), dbSNP rs751893253, ClinGen allele CA347270565.
Genomic context (GRCh38, chr2:73,490,747, plus strand): 5'-CATCAGGATTATGTAGCTCCAGACCTTCCTTCTTGCATTTTTCTTGAACAACGAGAACTC[T>G]TTGAACAGTGCAAAGCCCCATATGTAGATCATCAAATGAGAGAAAACCATTCTCCCCTTC-3'
Protein context (NP_001365383.1, residues 2920-2940): SCIFLEQREL[Phe2930Val]EQCKAPYVDH

ClinVar aggregate classification (germline): Uncertain significance (1 of 4 stars; one submission).

Conditions:
Alstrom syndrome (ALMS). Identifiers: Orphanet 64, MedGen C0268425, MONDO:0008763, OMIM 203800.

Submission:

Labcorp Genetics (formerly Invitae), Labcorp
Classification: Uncertain significance for Alstrom syndrome. Last evaluated: 2024-12-02. Review status: criteria provided, single submitter. Criteria: Invitae Variant Classification Sherloc (09022015). Collection method: clinical testing. Allele origin: germline.
Comment: This sequence change replaces phenylalanine, which is neutral and non-polar, with valine, which is neutral and non-polar, at codon 2931 of the ALMS1 protein (p.Phe2931Val). This variant is not present in population databases (gnomAD no frequency). This variant has not been reported in the literature in individuals affected with ALMS1-related conditions. ClinVar contains an entry for this variant (Variation ID: 1017618). Experimental studies and prediction algorithms are not available or were not evaluated, and the functional significance of this variant is currently unknown. In summary, the available evidence is currently insufficient to determine the role of this variant in disease. Therefore, it has been classified as a Variant of Uncertain Significance.